The following is an entry in ClinVar:

ClinVar aggregate classification (germline): Likely pathogenic (1 of 4 stars; one submission).

Conditions:
Atypical glycine encephalopathy. Also called: Glycine encephalopathy with normal serum glycine. Identifiers: Orphanet 289863, MedGen C4310943, MONDO:0015010, OMIM 617301.

gnomAD v4.1: 1 of 1,613,580 alleles (0.000062%); highest among the groups gnomAD compares: Non-Finnish European, 0.000085%; no homozygotes.

Submission:

Labcorp Genetics (formerly Invitae), Labcorp
Classification: Likely pathogenic for Atypical glycine encephalopathy. Last evaluated: 2025-06-19. Review status: criteria provided, single submitter. Criteria: Invitae Variant Classification Sherloc (09022015). Collection method: clinical testing. Allele origin: germline.
Comment: This sequence change affects a donor splice site in intron 2 of the SLC6A9 gene. It is expected to disrupt RNA splicing. Variants that disrupt the donor or acceptor splice site typically lead to a loss of protein function (PMID: 16199547), and loss-of-function variants in SLC6A9 are known to be pathogenic (PMID: 27773429). This variant is not present in population databases (gnomAD no frequency). This variant has not been reported in the literature in individuals affected with SLC6A9-related conditions. Algorithms developed to predict the effect of sequence changes on RNA splicing suggest that this variant may disrupt the consensus splice site. In summary, the currently available evidence indicates that the variant is pathogenic, but additional data are needed to prove that conclusively. Therefore, this variant has been classified as Likely Pathogenic.

Literature cited by the submitters: PubMed 16199547; PubMed 27773429.

NM_001024845.3(SLC6A9):c.31-678G>A

Gene: SLC6A9 (solute carrier family 6 member 9; minus strand). Cytogenetic location: 1p34.1.
Variant type: single nucleotide variant.
Coding change: c.31-678G>A on transcript NM_001024845.3 (MANE Select); 678 bases into the intron before coding-DNA position 31, G replaced by A.
Molecular consequence: intron variant. On other transcripts: splice donor variant (1).
Genome position (GRCh38, 1-based): chr1:44,011,560, C>T on the plus strand (G>A on the coding strand, the complement: SLC6A9 is on the minus strand). VCF-style: chr1-44011560-C-T. GRCh37 (hg19) VCF-style: chr1-44477232-C-T.
Other names: c.-14-2937G>A (NM_001328630.2, NM_001328626.2); c.31-678G>A (NM_001328629.1); c.125-2937G>A (NM_001328628.1); c.125-1464G>A (NM_001328627.1); c.88-678G>A (NM_001261380.2, NM_006934.4); c.249+1G>A (NM_201649.4).
Identifiers: ClinVar variation 4697810 (VCV004697810.1).
Genomic context (GRCh38, chr1:44,011,560, plus strand): 5'-GGGAGGGTCCGGGGAGCTAGCTACACTGCCCATGGCTGGGGAGGGGCCCTGGGGAGCTGA[C>T]CTGGGCCATGGCTAGGGAGTGCTGGGCCATGAGTTGGGGAAGGAGACCAGAGTTGTAGGC-3'